The following is an entry in ClinVar:

ClinVar aggregate classification (germline): Uncertain significance (1 of 4 stars; one submission).

Conditions:
Familial thoracic aortic aneurysm and aortic dissection (TAAD). Also called: Thoracic aortic aneurysms and dissections. Identifiers: Orphanet 91387, MedGen C4707243, MONDO:0019625.

Submission:

Ambry Genetics
Classification: Uncertain significance for Familial thoracic aortic aneurysm and aortic dissection. Last evaluated: 2026-05-20. Review status: criteria provided, single submitter. Criteria: Ambry Variant Classification Scheme 2023. Collection method: clinical testing. Allele origin: germline.
Comment: The p.L710I variant (also known as c.2128C>A), located in coding exon 12 of the MYLK gene, results from a C to A substitution at nucleotide position 2128. The leucine at codon 710 is replaced by isoleucine, an amino acid with highly similar properties. This amino acid position is conserved. In addition, this alteration is predicted to be tolerated by in silico analysis. Based on the available evidence, the clinical significance of this variant remains unclear.

NM_053025.4(MYLK):c.2128C>A (p.Leu710Ile)

Gene: MYLK (myosin light chain kinase; minus strand). Cytogenetic location: 3q21.1.
Variant type: single nucleotide variant.
Coding change: c.2128C>A on transcript NM_053025.4 (MANE Select); coding-DNA position 2128, C replaced by A.
Protein change: p.Leu710Ile; replaces leucine 710 with isoleucine.
Molecular consequence: missense variant.
Genome position (GRCh38, 1-based): chr3:123,708,710, G>T on the plus strand (C>A on the coding strand, the complement: MYLK is on the minus strand). VCF-style: chr3-123708710-G-T. GRCh37 (hg19) VCF-style: chr3-123427557-G-T.
Other names: c.1600C>A, p.Leu534Ile (NM_001321309.2); c.1921C>A, p.Leu641Ile (NM_053026.4, NM_053028.4); c.2128C>A, p.Leu710Ile (NM_053027.4); short protein forms L534I, L641I, L710I.
Identifiers: ClinVar variation 4860623 (VCV004860623.1).